The following is an entry in ClinVar:

NM_000089.4(COL1A2):c.2168A>G (p.Asn723Ser)

Gene: COL1A2 (collagen type I alpha 2 chain; plus strand). Cytogenetic location: 7q21.3.
Variant type: single nucleotide variant.
Coding change: c.2168A>G on transcript NM_000089.4 (MANE Select); coding-DNA position 2168, A replaced by G.
Protein change: p.Asn723Ser; replaces asparagine 723 with serine.
Molecular consequence: missense variant.
Genome position (GRCh38, 1-based): chr7:94,420,425, A>G. VCF-style: chr7-94420425-A-G. GRCh37 (hg19) VCF-style: chr7-94049737-A-G.
Other names: short protein forms N723S.
Identifiers: ClinVar variation 360961 (VCV000360961.30), dbSNP rs189374343, ClinGen allele CA4347339.

ClinVar aggregate classification (germline): Conflicting classifications of pathogenicity. Review status: criteria provided, conflicting classifications (1 of 4 stars). 10 submissions from 9 submitters: Uncertain significance (4); Benign (1); Likely benign (5). Last evaluated 2026-05-13.

Conditions:
Osteogenesis imperfecta type I (OI1). Also called: Lobstein's Disease; Osteogenesis imperfecta type 1; OI, TYPE I; OSTEOGENESIS IMPERFECTA TARDA; OSTEOGENESIS IMPERFECTA WITH BLUE SCLERAE; Classic Non-deforming Osteogenesis Imperfecta with Blue Sclerae. Identifiers: Orphanet 216796, Orphanet 666, MedGen C0023931, MONDO:0008146, OMIM 166200. Disease mechanism: loss of function.
Ehlers-Danlos syndrome, classic type, 1 (EDSCL1). Also called: Ehlers-Danlos syndrome, type 1; EDS I; EHLERS-DANLOS SYNDROME, GRAVIS TYPE; EHLERS-DANLOS SYNDROME, SEVERE CLASSIC TYPE; Ehlers-Danlos Syndrome, Classic Type, COL5A1-Related. Identifiers: MedGen C0268335, MONDO:0019567, OMIM 130000.
Osteogenesis imperfecta (OI). Identifiers: Orphanet 666, MedGen C0029434, MeSH D010013, MONDO:0019019.
COL1A2-related disorder. Also called: COL1A2-Related Disorders; COL1A2-related condition.
Connective tissue disorder. Also called: Connective tissue disease. Identifiers: MedGen C0009782, MONDO:0003900.
Ehlers-Danlos syndrome, arthrochalasia type, 2. Also called: EHLERS-DANLOS SYNDROME, TYPE VIIB, AUTOSOMAL DOMINANT. Identifiers: MedGen CN293783, MONDO:0040501, OMIM 617821.
Cardiovascular phenotype. Identifiers: MedGen CN230736.

Allele frequency attached by ClinVar (database versions not stated): TOPMed 0.00010; gnomAD 0.00016; 1000 Genomes Project 30x 0.00047; 1000 Genomes Project 0.00060.
gnomAD v4.1: 209 of 1,613,980 alleles (0.013%); highest among the groups gnomAD compares: East Asian, 0.096%; no homozygotes.

Submissions (10):

Women's Health and Genetics/Laboratory Corporation of America, LabCorp
Classification: Uncertain significance. Last evaluated: 2026-05-13. Review status: criteria provided, single submitter. Criteria: LabCorp Variant Classification Summary - May 2015. Collection method: clinical testing. Allele origin: germline.
Comment: Variant summary: COL1A2 c.2168A>G (p.Asn723Ser) results in a conservative amino acid change in the encoded protein sequence. Algorithms developed to predict the effect of missense changes on protein structure and function all suggest that this variant is likely to be tolerated. The variant allele was found at a frequency of 0.00017 in 251418 control chromosomes. This frequency is not significantly higher than estimated for disease-causing variants in COL1A2, allowing no conclusion about variant significance. To our knowledge, no occurrence of c.2168A>G in individuals affected with COL1A2-related conditions and no experimental evidence demonstrating its impact on protein function have been reported. ClinVar contains an entry for this variant (Variation ID: 360961). Based on the evidence outlined above, the variant was classified as uncertain significance.

PreventionGenetics, part of Exact Sciences
Classification: Uncertain significance for COL1A2-related condition. Last evaluated: 2026-04-09. Review status: criteria provided, single submitter. Criteria: ACMG Guidelines, 2015. Collection method: clinical testing. Allele origin: germline.
Comment: The COL1A2 c.2168A>G variant is predicted to result in the amino acid substitution p.Asn723Ser. To our knowledge, this variant has not been reported in the literature. This variant is reported in 0.045% of alleles in individuals of East Asian descent in gnomAD. Although we suspect that this variant may be benign, at this time, the clinical significance of this variant is uncertain due to the absence of conclusive functional and genetic evidence.

Labcorp Genetics (formerly Invitae), Labcorp
Classification: Likely benign for Osteogenesis imperfecta type I; Ehlers-Danlos syndrome, classic type, 1. Last evaluated: 2026-02-02. Review status: criteria provided, single submitter. Criteria: Invitae Variant Classification Sherloc (09022015). Collection method: clinical testing. Allele origin: germline.

Ambry Genetics
Classification: Uncertain significance for Cardiovascular phenotype. Last evaluated: 2025-12-05. Review status: criteria provided, single submitter. Criteria: Ambry Variant Classification Scheme 2023. Collection method: clinical testing. Allele origin: germline.
Comment: The p.N723S variant (also known as c.2168A>G), located in coding exon 36 of the COL1A2 gene, results from an A to G substitution at nucleotide position 2168. The asparagine at codon 723 is replaced by serine, an amino acid with highly similar properties. This amino acid position is not well conserved in available vertebrate species, and serine is the reference amino acid in other vertebrate species. In addition, this alteration is predicted to be tolerated by in silico analysis. Since supporting evidence is limited at this time, the clinical significance of this alteration remains unclear.

ARUP Laboratories, Molecular Genetics and Genomics, ARUP Laboratories
Classification: Uncertain significance. Last evaluated: 2024-06-20. Review status: criteria provided, single submitter. Criteria: ARUP Molecular Germline Variant Investigation Process 2024. Collection method: clinical testing. Allele origin: germline.
Comment: The COL1A2 c.2168A>G; p.Asn723Ser variant (rs189374343), to our knowledge, is not reported in the medical literature but is reported in ClinVar (Variation ID: 360961). This variant is found in the general population with an overall allele frequency of 0.017% (47/282806 alleles) in the Genome Aggregation Database. The asparagine at codon 723 is moderately conserved, and computational analyses are uncertain whether this variant is neutral or deleterious (REVEL: 0.178). Due to limited information, the clinical significance of the p.Asn723Ser variant is uncertain at this time.

Blueprint Genetics
Classification: Likely benign. Last evaluated: 2024-02-27. Review status: criteria provided, single submitter. Criteria: ACMG Guidelines, 2015. Collection method: clinical testing. Allele origin: germline.

GeneDx
Classification: Likely benign. Last evaluated: 2020-10-08. Review status: criteria provided, single submitter. Criteria: GeneDx Variant Classification Process June 2021. Collection method: clinical testing. Allele origin: germline. Affected: yes.

Illumina Laboratory Services, Illumina
Classification: Likely benign for Osteogenesis imperfecta. Last evaluated: 2018-01-13. Review status: criteria provided, single submitter. Criteria: ICSL Variant Classification Criteria 13 December 2019. Collection method: clinical testing. Allele origin: germline.
Comment: This variant was observed in the ICSL laboratory as part of a predisposition screen in an ostensibly healthy population. It had not been previously curated by ICSL or reported in the Human Gene Mutation Database (HGMD: prior to June 1st, 2018), and was therefore a candidate for classification through an automated scoring system. Utilizing variant allele frequency, disease prevalence and penetrance estimates, and inheritance mode, an automated score was calculated to assess if this variant is too frequent to cause the disease. Based on the score and internal cut-off values, a variant classified as likely benign is not then subjected to further curation. The score for this variant resulted in a classification of likely benign for this disease.

Illumina Laboratory Services, Illumina
Classification: Benign for Ehlers-Danlos syndrome, arthrochalasia type, 2. Last evaluated: 2018-01-13. Review status: criteria provided, single submitter. Criteria: ICSL Variant Classification Criteria 13 December 2019. Collection method: clinical testing. Allele origin: germline.
Comment: This variant was observed in the ICSL laboratory as part of a predisposition screen in an ostensibly healthy population. It had not been previously curated by ICSL or reported in the Human Gene Mutation Database (HGMD: prior to June 1st, 2018), and was therefore a candidate for classification through an automated scoring system. Utilizing variant allele frequency, disease prevalence and penetrance estimates, and inheritance mode, an automated score was calculated to assess if this variant is too frequent to cause the disease. Based on the score and internal cut-off values, a variant classified as benign is not then subjected to further curation. The score for this variant resulted in a classification of benign for this disease.

Center for Human Genetics, Inc
Classification: Likely benign for Connective tissue disorder. Last evaluated: 2016-11-01. Review status: criteria provided, single submitter. Criteria: ACMG Guidelines, 2015. Collection method: clinical testing. Allele origin: germline. Affected: yes.